The following is an entry in ClinVar:

ClinVar aggregate classification (germline): Uncertain significance. Review status: criteria provided, multiple submitters, no conflicts (2 of 4 stars). 5 submissions from 5 submitters: Uncertain significance (4). 1 of the submissions does not count toward it. Last evaluated 2025-10-11.

Conditions:
RTEL1-related disorder. Also called: RTEL1-related disorders; RTEL1-related condition.
Dyskeratosis congenita. Identifiers: Orphanet 1775, MedGen C0265965, MONDO:0015780.
Pulmonary fibrosis and/or bone marrow failure, Telomere-related, 3. Also called: PULMONARY FIBROSIS AND/OR BONE MARROW FAILURE SYNDROME, TELOMERE-RELATED, 3. Identifiers: Orphanet 2032, MedGen C4225346, MONDO:0014613, OMIM 616373.
Dyskeratosis congenita, autosomal recessive 5 (DKCB5). Identifiers: MedGen C3554656, MONDO:0014076, OMIM 615190.

Allele frequency attached by ClinVar (database versions not stated): gnomAD 0.00004 and 0.00005; TOPMed 0.00005; ExAC 0.00008; 1000 Genomes Project 30x 0.00016.
gnomAD v4.1: 69 of 1,612,600 alleles (0.0043%); highest among the groups gnomAD compares: Admixed American, 0.062%; no homozygotes.

Submissions (5):

Labcorp Genetics (formerly Invitae), Labcorp
Classification: Uncertain significance for Dyskeratosis congenita, autosomal recessive 5; Pulmonary fibrosis and/or bone marrow failure, Telomere-related, 3. Last evaluated: 2025-10-11. Review status: criteria provided, single submitter. Criteria: Invitae Variant Classification Sherloc (09022015). Collection method: clinical testing. Allele origin: germline.
Comment: This sequence change replaces arginine, which is basic and polar, with tryptophan, which is neutral and slightly polar, at codon 532 of the RTEL1 protein (p.Arg532Trp). This variant is present in population databases (rs779050514, gnomAD 0.09%). This variant has not been reported in the literature in individuals affected with RTEL1-related conditions. ClinVar contains an entry for this variant (Variation ID: 1019863). An algorithm developed to predict the effect of missense changes on protein structure and function (PolyPhen-2) suggests that this variant is likely to be disruptive. In summary, the available evidence is currently insufficient to determine the role of this variant in disease. Therefore, it has been classified as a Variant of Uncertain Significance.

PreventionGenetics, part of Exact Sciences
Classification: Uncertain significance for RTEL1-related condition. Last evaluated: 2025-02-24. Review status: criteria provided, single submitter. Criteria: ACMG Guidelines, 2015. Collection method: clinical testing. Allele origin: germline.
Comment: The RTEL1 c.1666C>T variant is predicted to result in the amino acid substitution p.Arg556Trp. To our knowledge, this variant has not been reported in the literature. This variant is reported in 0.093% of alleles in individuals of Latino descent in gnomAD. Although we suspect that this variant may be benign, at this time, the clinical significance of this variant is uncertain due to the absence of conclusive functional and genetic evidence.

GeneDx
Classification: Uncertain significance. Last evaluated: 2023-06-28. Review status: criteria provided, single submitter. Criteria: GeneDx Variant Classification Process June 2021. Collection method: clinical testing. Allele origin: germline. Affected: yes.
Comment: In silico analysis supports that this missense variant has a deleterious effect on protein structure/function; Has not been previously published as pathogenic or benign to our knowledge

Department of Pathology and Laboratory Medicine, Sinai Health System
Classification: Uncertain significance for Dyskeratosis congenita, autosomal recessive 5; Pulmonary fibrosis and/or bone marrow failure, Telomere-related, 3. Last evaluated: 2022-04-22. Review status: criteria provided, single submitter. Criteria: ACMG Guidelines, 2015. Collection method: research. Allele origin: germline.

Natera, Inc.
Classification: Uncertain significance for Dyskeratosis congenita. Last evaluated: 2020-02-13. Review status: no assertion criteria provided. Collection method: clinical testing. Allele origin: germline. Not counted in ClinVar's aggregate classification.

NM_001283009.2(RTEL1):c.1594C>T (p.Arg532Trp)

Genes: RTEL1 (regulator of telomere elongation helicase 1; plus strand), RTEL1-TNFRSF6B (RTEL1-TNFRSF6B readthrough (NMD candidate); plus strand). Cytogenetic location: 20q13.33.
Variant type: single nucleotide variant.
Coding change: c.1594C>T on transcript NM_001283009.2 (MANE Select); coding-DNA position 1594, C replaced by T.
Protein change: p.Arg532Trp; replaces arginine 532 with tryptophan.
Molecular consequence: missense variant. On other transcripts: non-coding transcript variant (1).
Genome position (GRCh38, 1-based): chr20:63,688,049, C>T. VCF-style: chr20-63688049-C-T. GRCh37 (hg19) VCF-style: chr20-62319402-C-T.
Other names: c.925C>T, p.Arg309Trp (NM_001283010.1); c.1594C>T, p.Arg532Trp (NM_016434.4); c.1666C>T, p.Arg556Trp (NM_032957.5); c.1666C>T (NM_032957.4); short protein forms R309W, R532W, R556W.
Identifiers: ClinVar variation 1019863 (VCV001019863.8), dbSNP rs779050514, ClinGen allele CA9964849.